The following is an entry in ClinVar:

ClinVar aggregate classification (germline): Uncertain significance. Review status: criteria provided, multiple submitters, no conflicts (2 of 4 stars). 2 submissions from 2 submitters: Uncertain significance (2). Last evaluated 2025-04-26.

Allele frequency attached by ClinVar (database versions not stated): gnomAD exomes 0.00004; ExAC 0.00019; 1000 Genomes Project 30x 0.00031; 1000 Genomes Project 0.00040; gnomAD 0.00045; TOPMed 0.00057; ESP Exome Variant Server 0.00100.
gnomAD v4.1: 128 of 1,614,150 alleles (0.0079%); highest among the groups gnomAD compares: African/African-American, 0.16%; no homozygotes.

Submissions (2):

Labcorp Genetics (formerly Invitae), Labcorp
Classification: Uncertain significance. Last evaluated: 2025-04-26. Review status: criteria provided, single submitter. Criteria: Invitae Variant Classification Sherloc (09022015). Collection method: clinical testing. Allele origin: germline.
Comment: This sequence change replaces alanine, which is neutral and non-polar, with valine, which is neutral and non-polar, at codon 68 of the FAT2 protein (p.Ala68Val). This variant is present in population databases (rs150175247, gnomAD 0.2%), and has an allele count higher than expected for a pathogenic variant. This variant has not been reported in the literature in individuals affected with FAT2-related conditions. ClinVar contains an entry for this variant (Variation ID: 2044717). An algorithm developed to predict the effect of missense changes on protein structure and function outputs the following: PolyPhen-2: "Benign". The valine amino acid residue is found in multiple mammalian species, which suggests that this missense change does not adversely affect protein function. In summary, the available evidence is currently insufficient to determine the role of this variant in disease. Therefore, it has been classified as a Variant of Uncertain Significance.

Ambry Genetics
Classification: Uncertain significance. Last evaluated: 2021-07-21. Review status: criteria provided, single submitter. Criteria: Ambry Variant Classification Scheme 2023. Collection method: clinical testing. Allele origin: germline.

NM_001447.3(FAT2):c.203C>T (p.Ala68Val)

Gene: FAT2 (FAT atypical cadherin 2; minus strand). Cytogenetic location: 5q33.1.
Variant type: single nucleotide variant.
Coding change: c.203C>T on transcript NM_001447.3 (MANE Select); coding-DNA position 203, C replaced by T.
Protein change: p.Ala68Val; replaces alanine 68 with valine.
Molecular consequence: missense variant.
Genome position (GRCh38, 1-based): chr5:151,568,729, G>A on the plus strand (C>T on the coding strand, the complement: FAT2 is on the minus strand). VCF-style: chr5-151568729-G-A. GRCh37 (hg19) VCF-style: chr5-150948290-G-A.
Other names: short protein forms A68V.
Identifiers: ClinVar variation 2044717 (VCV002044717.5), dbSNP rs150175247, ClinGen allele CA3522475.